The following is an entry in ClinVar:

ClinVar aggregate classification (germline): Uncertain significance (1 of 4 stars; one submission).

Allele frequency attached by ClinVar (database versions not stated): TOPMed below 0.00001; gnomAD exomes 0.00001.
gnomAD v4.1: 9 of 1,613,878 alleles (0.00056%); highest among the groups gnomAD compares: Admixed American, 0.0033%; no homozygotes.

Submission:

Labcorp Genetics (formerly Invitae), Labcorp
Classification: Uncertain significance. Last evaluated: 2022-08-05. Review status: criteria provided, single submitter. Criteria: Invitae Variant Classification Sherloc (09022015). Collection method: clinical testing. Allele origin: germline.
Comment: This variant is present in population databases (no rsID available, gnomAD 0.003%). This sequence change replaces alanine, which is neutral and non-polar, with valine, which is neutral and non-polar, at codon 1823 of the CDH23 protein (p.Ala1823Val). This variant has not been reported in the literature in individuals affected with CDH23-related conditions. In summary, the available evidence is currently insufficient to determine the role of this variant in disease. Therefore, it has been classified as a Variant of Uncertain Significance. Algorithms developed to predict the effect of missense changes on protein structure and function are either unavailable or do not agree on the potential impact of this missense change (SIFT: "Deleterious"; PolyPhen-2: "Not Available"; Align-GVGD: "Class C0").

NM_022124.6(CDH23):c.5468C>T (p.Ala1823Val)

Gene: CDH23 (cadherin related 23; plus strand). Cytogenetic location: 10q22.1.
Variant type: single nucleotide variant.
Coding change: c.5468C>T on transcript NM_022124.6 (MANE Select); coding-DNA position 5468, C replaced by T.
Protein change: p.Ala1823Val; replaces alanine 1823 with valine.
Molecular consequence: missense variant.
Genome position (GRCh38, 1-based): chr10:71,784,386, C>T. VCF-style: chr10-71784386-C-T. GRCh37 (hg19) VCF-style: chr10-73544143-C-T.
Other names: short protein forms A1823V.
Identifiers: ClinVar variation 2164258 (VCV002164258.4), dbSNP rs968432651, ClinGen allele CA209456923.